The following is an entry in ClinVar:

NM_001135146.2(SLC39A8):c.781G>A (p.Ala261Thr)

Gene: SLC39A8 (solute carrier family 39 member 8; minus strand). Cytogenetic location: 4q24.
Variant type: single nucleotide variant.
Coding change: c.781G>A on transcript NM_001135146.2 (MANE Select); coding-DNA position 781, G replaced by A.
Protein change: p.Ala261Thr; replaces alanine 261 with threonine.
Molecular consequence: missense variant.
Genome position (GRCh38, 1-based): chr4:102,304,376, C>T on the plus strand (G>A on the coding strand, the complement: SLC39A8 is on the minus strand). VCF-style: chr4-102304376-C-T. GRCh37 (hg19) VCF-style: chr4-103225533-C-T.
Other names: c.781G>A, p.Ala261Thr (NM_001135147.1, NM_022154.5); c.580G>A, p.Ala194Thr (NM_001135148.2); short protein forms A194T, A261T.
Identifiers: ClinVar variation 3364873 (VCV003364873.2).

ClinVar aggregate classification (germline): Uncertain significance (1 of 4 stars; one submission).

Submission:

GeneDx
Classification: Uncertain significance. Last evaluated: 2026-02-21. Review status: criteria provided, single submitter. Criteria: GeneDx Variant Classification Process June 2021. Collection method: clinical testing. Allele origin: germline.
Comment: Not observed at significant frequency in large population cohorts (gnomAD); In silico analysis suggests that this missense variant does not alter protein structure/function; Has not been previously published as pathogenic or benign to our knowledge